The following is an entry in ClinVar:

NM_006736.6(DNAJB2):c.742G>A (p.Asp248Asn)

Gene: DNAJB2 (DnaJ heat shock protein family (Hsp40) member B2; plus strand). Cytogenetic location: 2q35.
Variant type: single nucleotide variant.
Coding change: c.742G>A on transcript NM_006736.6 (MANE Select); coding-DNA position 742, G replaced by A.
Protein change: p.Asp248Asn; replaces aspartic acid 248 with asparagine.
Molecular consequence: missense variant.
Genome position (GRCh38, 1-based): chr2:219,284,754, G>A. VCF-style: chr2-219284754-G-A. GRCh37 (hg19) VCF-style: chr2-220149476-G-A.
Other names: c.742G>A, p.Asp248Asn (NM_001039550.2); c.742G>A (NM_001039550.1); short protein forms D248N.
Identifiers: ClinVar variation 1507041 (VCV001507041.9), dbSNP rs1442415535, ClinGen allele CA350652205.

ClinVar aggregate classification (germline): Uncertain significance. Review status: criteria provided, multiple submitters, no conflicts (2 of 4 stars). 2 submissions from 2 submitters: Uncertain significance (2). Last evaluated 2025-08-26.

Conditions:
Inborn genetic diseases. Identifiers: MedGen C0950123, MeSH D030342.
Neuronopathy, distal hereditary motor, autosomal recessive 5. Also called: Young adult-onset distal hereditary motor neuropathy; Spinal muscular atrophy, distal, autosomal recessive, 5; NEUROPATHY, DISTAL HEREDITARY MOTOR, AUTOSOMAL RECESSIVE 5. Identifiers: Orphanet 314485, Orphanet 443950, MedGen C4749918, MONDO:0013947, OMIM 614881.

Allele frequency attached by ClinVar (database versions not stated): gnomAD exomes 0.00001.
gnomAD v4.1: 9 of 1,613,558 alleles (0.00056%); highest among the groups gnomAD compares: Admixed American, 0.005%; no homozygotes.

Submissions (2):

Ambry Genetics
Classification: Uncertain significance for Inborn genetic diseases. Last evaluated: 2025-08-26. Review status: criteria provided, single submitter. Criteria: Ambry Variant Classification Scheme 2023. Collection method: clinical testing. Allele origin: germline.

Labcorp Genetics (formerly Invitae), Labcorp
Classification: Uncertain significance for Neuronopathy, distal hereditary motor, autosomal recessive 5. Last evaluated: 2022-02-24. Review status: criteria provided, single submitter. Criteria: Invitae Variant Classification Sherloc (09022015). Collection method: clinical testing. Allele origin: germline.
Comment: This variant is present in population databases (no rsID available, gnomAD 0.003%). Algorithms developed to predict the effect of missense changes on protein structure and function (SIFT, PolyPhen-2, Align-GVGD) all suggest that this variant is likely to be tolerated. This variant has not been reported in the literature in individuals affected with DNAJB2-related conditions. This sequence change replaces aspartic acid, which is acidic and polar, with asparagine, which is neutral and polar, at codon 248 of the DNAJB2 protein (p.Asp248Asn). In summary, the available evidence is currently insufficient to determine the role of this variant in disease. Therefore, it has been classified as a Variant of Uncertain Significance.